The following is an entry in ClinVar:

ClinVar aggregate classification (germline): Uncertain significance (1 of 4 stars; one submission).

Conditions:
Immunodeficiency. Identifiers: MedGen C0021051, MONDO:0021094, HP:0002721.

Submission:

Labcorp Genetics (formerly Invitae), Labcorp
Classification: Uncertain significance for Immunodeficiency. Last evaluated: 2024-07-08. Review status: criteria provided, single submitter. Criteria: Invitae Variant Classification Sherloc (09022015). Collection method: clinical testing. Allele origin: germline.
Comment: This sequence change replaces valine, which is neutral and non-polar, with isoleucine, which is neutral and non-polar, at codon 249 of the NFAT5 protein (p.Val249Ile). This variant is not present in population databases (gnomAD no frequency). This variant has not been reported in the literature in individuals affected with NFAT5-related conditions. An algorithm developed to predict the effect of missense changes on protein structure and function (PolyPhen-2) suggests that this variant is likely to be disruptive. In summary, the available evidence is currently insufficient to determine the role of this variant in disease. Therefore, it has been classified as a Variant of Uncertain Significance.

NM_138713.4(NFAT5):c.1027G>A (p.Val343Ile)

Gene: NFAT5 (nuclear factor of activated T cells 5; plus strand). Cytogenetic location: 16q22.1.
Variant type: single nucleotide variant.
Coding change: c.1027G>A on transcript NM_138713.4 (MANE Select); coding-DNA position 1027, G replaced by A.
Protein change: p.Val343Ile; replaces valine 343 with isoleucine.
Molecular consequence: missense variant.
Genome position (GRCh38, 1-based): chr16:69,655,630, G>A. VCF-style: chr16-69655630-G-A. GRCh37 (hg19) VCF-style: chr16-69689533-G-A.
Other names: c.1027G>A, p.Val343Ile (NM_001113178.3); c.355G>A, p.Val119Ile (NM_001367709.1); c.973G>A, p.Val325Ile (NM_006599.4); c.745G>A, p.Val249Ile (NM_138714.4, NM_173214.3, NM_173215.3); short protein forms V119I, V325I, V249I, V343I.
Identifiers: ClinVar variation 2696941 (VCV002696941.3), dbSNP rs2543985769, ClinGen allele CA396490569.